The following is an entry in ClinVar:

NM_177924.5(ASAH1):c.3G>C (p.Met1Ile)

Genes: ASAH1 (N-acylsphingosine amidohydrolase 1; minus strand), LOC129999940 (ATAC-STARR-seq lymphoblastoid silent region 18966; plus strand). Cytogenetic location: 8p22.
Variant type: single nucleotide variant.
Coding change: c.3G>C on transcript NM_177924.5 (MANE Select); coding-DNA position 3, G replaced by C.
Protein change: p.Met1Ile; changes the start codon (methionine 1).
Molecular consequence: missense variant, initiator codon variant. On other transcripts: non-coding transcript variant (1), intron variant (2).
Genome position (GRCh38, 1-based): chr8:18,084,056, C>G on the plus strand (G>C on the coding strand, the complement: ASAH1 is on the minus strand). VCF-style: chr8-18084056-C-G. GRCh37 (hg19) VCF-style: chr8-17941565-C-G.
Other names: c.126+620G>C (NM_004315.6, NM_001127505.3); short protein forms M1I.
Identifiers: ClinVar variation 4751395 (VCV004751395.1).

ClinVar aggregate classification (germline): Pathogenic (1 of 4 stars; one submission).

Submission:

Labcorp Genetics (formerly Invitae), Labcorp
Classification: Pathogenic. Last evaluated: 2026-01-21. Review status: criteria provided, single submitter. Criteria: Invitae Variant Classification Sherloc (09022015). Collection method: clinical testing. Allele origin: germline.
Comment: This sequence change affects the initiator codon of the ASAH1 mRNA. This change may impact translation initiation or efficiency. The next in-frame methionine is located at codon 66. This variant is not present in population databases (gnomAD no frequency). This variant has not been reported in the literature in individuals affected with ASAH1-related conditions. This variant disrupts a region of the ASAH1 protein in which other variant(s) (p.Thr42Ala) have been determined to be pathogenic (PMID: 27026573, 28733637, 34240417). This suggests that this is a clinically significant region of the protein, and that variants that disrupt it are likely to be disease-causing. For these reasons, this variant has been classified as Pathogenic.

Literature cited by the submitters: PubMed 27026573; PubMed 28733637; PubMed 34240417.